The following is an entry in ClinVar:

NM_012470.4(TNPO3):c.1359-1G>C

Gene: TNPO3 (transportin 3; minus strand). Cytogenetic location: 7q32.1.
Variant type: single nucleotide variant.
Coding change: c.1359-1G>C on transcript NM_012470.4 (MANE Select); the canonical splice acceptor site of the intron before coding-DNA position 1359, G replaced by C.
Molecular consequence: splice acceptor variant. On other transcripts: missense variant (1), non-coding transcript variant (1).
Genome position (GRCh38, 1-based): chr7:128,990,101, C>G on the plus strand (G>C on the coding strand, the complement: TNPO3 is on the minus strand). VCF-style: chr7-128990101-C-G. GRCh37 (hg19) VCF-style: chr7-128630155-C-G.
Other names: c.1460G>C, p.Arg487Thr (NM_001382216.1); c.1215-1G>C (NM_001382221.1); c.1212-1G>C (NM_001382222.1); c.1251-1G>C (NM_001382219.1); c.1359-1G>C (NM_001382223.1, NM_001191028.3, NM_001382220.1 and 1 more transcripts); c.1440-1G>C (NM_001382217.1); short protein forms R487T.
Identifiers: ClinVar variation 4818919 (VCV004818919.1).
Genomic context (GRCh38, chr7:128,990,101, plus strand): 5'-ACGGTCTCCGGGAGGCGGACAACTCCTTCTAGGACTTCCACAAGTGTTGGATTGTTTTCC[C>G]TGAGTACAGGCGGTAAGTACTCACAGTTACTGATTTCAGAGGTTATATTCTGGCCAAATA-3'

ClinVar aggregate classification (germline): Uncertain significance (1 of 4 stars; one submission).

Submission:

GeneDx
Classification: Uncertain significance. Last evaluated: 2025-09-26. Review status: criteria provided, single submitter. Criteria: GeneDx Variant Classification Process June 2021. Collection method: clinical testing. Allele origin: germline. Affected: yes.
Comment: Not observed at significant frequency in large population cohorts (gnomAD); Canonical splice site variant in a gene or region of a gene for which loss of function is not a well-established mechanism of disease; Has not been previously published as pathogenic or benign to our knowledge